The following is an entry in ClinVar:

ClinVar aggregate classification (germline): Uncertain significance. Review status: criteria provided, multiple submitters, no conflicts (2 of 4 stars). 3 submissions from 3 submitters: Uncertain significance (3). Last evaluated 2024-03-24.

Conditions:
Noonan syndrome 9 (NS9). Identifiers: Orphanet 648, MedGen C4225282, MONDO:0014691, OMIM 616559.
Cardiovascular phenotype. Identifiers: MedGen CN230736.

Allele frequency attached by ClinVar (database versions not stated): TOPMed 0.00001.
gnomAD v4.1: 6 of 1,610,850 alleles (0.00037%); highest among the groups gnomAD compares: Non-Finnish European, 0.00051%; no homozygotes.

Submissions (3):

Ambry Genetics
Classification: Uncertain significance for Cardiovascular phenotype. Last evaluated: 2024-03-24. Review status: criteria provided, single submitter. Criteria: Ambry Variant Classification Scheme 2023. Collection method: clinical testing. Allele origin: germline.
Comment: The p.R397G variant (also known as c.1189C>G), located in coding exon 9 of the SOS2 gene, results from a C to G substitution at nucleotide position 1189. The arginine at codon 397 is replaced by glycine, an amino acid with dissimilar properties. This amino acid position is conserved. In addition, the in silico prediction for this alteration is inconclusive. Since supporting evidence is limited at this time, the clinical significance of this alteration remains unclear.

Labcorp Genetics (formerly Invitae), Labcorp
Classification: Uncertain significance for Noonan syndrome 9. Last evaluated: 2023-01-06. Review status: criteria provided, single submitter. Criteria: Invitae Variant Classification Sherloc (09022015). Collection method: clinical testing. Allele origin: germline.
Comment: In summary, the available evidence is currently insufficient to determine the role of this variant in disease. Therefore, it has been classified as a Variant of Uncertain Significance. This sequence change replaces arginine, which is basic and polar, with glycine, which is neutral and non-polar, at codon 397 of the SOS2 protein (p.Arg397Gly). This variant is present in population databases (rs777771444, gnomAD 0.003%). This variant has not been reported in the literature in individuals affected with SOS2-related conditions. ClinVar contains an entry for this variant (Variation ID: 986295). Advanced modeling of protein sequence and biophysical properties (such as structural, functional, and spatial information, amino acid conservation, physicochemical variation, residue mobility, and thermodynamic stability) has been performed at Invitae for this missense variant, however the output from this modeling did not meet the statistical confidence thresholds required to predict the impact of this variant on SOS2 protein function.

Genome-Nilou Lab
Classification: Uncertain significance for Noonan syndrome 9. Review status: criteria provided, single submitter. Criteria: ACMG Guidelines, 2015. Collection method: clinical testing. Allele origin: germline.

NM_006939.4(SOS2):c.1189C>G (p.Arg397Gly)

Gene: SOS2 (SOS Ras/Rho guanine nucleotide exchange factor 2; minus strand). Cytogenetic location: 14q21.3.
Variant type: single nucleotide variant.
Coding change: c.1189C>G on transcript NM_006939.4 (MANE Select); coding-DNA position 1189, C replaced by G.
Protein change: p.Arg397Gly; replaces arginine 397 with glycine.
Molecular consequence: missense variant.
Genome position (GRCh38, 1-based): chr14:50,161,489, G>C on the plus strand (C>G on the coding strand, the complement: SOS2 is on the minus strand). VCF-style: chr14-50161489-G-C. GRCh37 (hg19) VCF-style: chr14-50628207-G-C.
Other names: short protein forms R397G.
Identifiers: ClinVar variation 986295 (VCV000986295.15), dbSNP rs777771444, ClinGen allele CA7177327.
Genomic context (GRCh38, chr14:50,161,489, plus strand): 5'-CAGAGACAGCGAAGTAAGCAGAGGCATTCACGTTTTCAACACTTTGGAATTACCCAGGTC[G>C]ACGTCTAGGTGAATACTGCTTGTAAATTCGGTCCATGCTACCTTGGAGATTCATGAGAGC-3'
Protein context (NP_008870.2, residues 387-407): RIYKQYSPRR[Arg397Gly]PGDPVCPFYS